The following is an entry in ClinVar:

NM_001165963.4(SCN1A):c.2819C>T (p.Ser940Phe)

Gene: SCN1A (sodium voltage-gated channel alpha subunit 1; minus strand). Cytogenetic location: 2q24.3.
Variant type: single nucleotide variant.
Coding change: c.2819C>T on transcript NM_001165963.4 (MANE Select); coding-DNA position 2819, C replaced by T.
Protein change: p.Ser940Phe; replaces serine 940 with phenylalanine.
Molecular consequence: missense variant. On other transcripts: non-coding transcript variant (1).
Genome position (GRCh38, 1-based): chr2:166,037,903, G>A on the plus strand (C>T on the coding strand, the complement: SCN1A is on the minus strand). VCF-style: chr2-166037903-G-A. GRCh37 (hg19) VCF-style: chr2-166894413-G-A.
Other names: c.2735C>T, p.Ser912Phe (NM_001165964.3, NM_001353957.2, NM_001353958.2); c.2819C>T, p.Ser940Phe (NM_001202435.3, NM_001353948.2); c.2786C>T, p.Ser929Phe (NM_001353949.2, NM_001353950.2, NM_001353951.2 and 2 more transcripts); c.2783C>T, p.Ser928Phe (NM_001353954.2, NM_001353955.2); c.2732C>T, p.Ser911Phe (NM_001353960.2); c.377C>T, p.Ser126Phe (NM_001353961.2); short protein forms S929F, S940F, S126F, S911F, S912F, S928F.
Identifiers: ClinVar variation 381569 (VCV000381569.11), dbSNP rs1057521080, ClinGen allele CA16604035.

ClinVar aggregate classification (germline): Pathogenic/Likely pathogenic. Review status: criteria provided, multiple submitters, no conflicts (2 of 4 stars). 2 submissions from 2 submitters: Pathogenic (1); Likely pathogenic (1). Last evaluated 2018-09-21.

Conditions:
Early-infantile DEE. Also called: Ohtahara syndrome; Early infantile epileptic encephalopathy with suppression bursts; Early infantile epileptic encephalopathy. Identifiers: Orphanet 1934, MedGen C0393706, MONDO:0800491.

Submissions (2):

Labcorp Genetics (formerly Invitae), Labcorp
Classification: Pathogenic for Early-infantile DEE. Last evaluated: 2018-09-21. Review status: criteria provided, single submitter. Criteria: Invitae Variant Classification Sherloc (09022015). Collection method: clinical testing. Allele origin: germline.
Comment: For these reasons, this variant has been classified as Pathogenic. Algorithms developed to predict the effect of missense changes on protein structure and function (SIFT, PolyPhen-2, Align-GVGD) all suggest that this variant is likely to be disruptive, but these predictions have not been confirmed by published functional studies and their clinical significance is uncertain. This variant has been observed in several individuals affected with epilepsy (PMID: 23195492, 23884151) including at least one with severe myoclonic epilepsy in infancy or SMEI (PMID: 23195492, 23884151). This variant as also been observed to be de novo in an individual with clinical features of early infantile epileptic encephalopathy (Invitae). ClinVar contains an entry for this variant (Variation ID: 381569). This variant is not present in population databases (ExAC no frequency). This sequence change replaces serine with phenylalanine at codon 940 of the SCN1A protein (p.Ser940Phe). The serine residue is highly conserved and there is a large physicochemical difference between serine and phenylalanine.

GeneDx
Classification: Likely pathogenic. Last evaluated: 2016-09-23. Review status: criteria provided, single submitter. Criteria: GeneDx Variant Classification (06012015). Collection method: clinical testing. Allele origin: germline. Affected: yes.
Comment: A S940F variant that is likely pathogenic has been identified in the SCN1A gene. The S940F variant has been previously reported in five unrelated individuals with SMEI or other seizure phenotypes consistent with SCN1A-related disorder; however, parental testing was not performed (Parihar et al., 2013; Sugawara et al., 2013; Wang et al., 2012). It was not observed in approximately 6,500 individuals of European and African American ancestry in the NHLBI Exome Sequencing Project, indicating it is not a common benign variant in these populations. The S940F variant is a non-conservative amino acid substitution, which is likely to impact secondary protein structure as these residues differ in polarity, charge, size and/or other properties. This substitution alters a conserved position predicted to be within the pore forming loop between the S5 and S6 transmembrane segments of the second homologous domain. In silico analysis predicts this variant is probably damaging to the protein structure/function. Additionally, multiple missense variants in nearby residues have been reported in the Human Gene Mutation Database in association with SCN1A-related disorder (Stenson et al., 2014), supporting the functional importance of this region of the protein. Therefore, this variant is likely pathogenic; however, the possibility that it is benign cannot be excluded.

Literature cited by the submitters: PubMed 23195492 (cited by Labcorp Genetics (formerly Invitae), Labcorp); PubMed 23884151 (cited by Labcorp Genetics (formerly Invitae), Labcorp).